The following is an entry in ClinVar:

NM_001267727.2(ARSG):c.1330A>G (p.Thr444Ala)

Genes: ARSG (arylsulfatase G; plus strand), PRKAR1A (protein kinase cAMP-dependent type I regulatory subunit alpha; plus strand). Cytogenetic location: 17q24.2.
Variant type: single nucleotide variant.
Coding change: c.1330A>G on transcript NM_001267727.2 (MANE Select); coding-DNA position 1330, A replaced by G.
Protein change: p.Thr444Ala; replaces threonine 444 with alanine.
Molecular consequence: missense variant. On other transcripts: intron variant (3).
Genome position (GRCh38, 1-based): chr17:68,420,215, A>G. VCF-style: chr17-68420215-A-G. GRCh37 (hg19) VCF-style: chr17-66416356-A-G.
Other names: c.1330A>G, p.Thr444Ala (NM_001352899.2, NM_001352900.2, NM_001352901.2 and 2 more transcripts); c.1327A>G, p.Thr443Ala (NM_001352903.2, NM_001352904.2, NM_001352905.2 and 2 more transcripts); c.1303+18765A>G (NM_001352910.2); c.1255+18765A>G (NM_001352909.2); c.-7+6420A>G (NM_001278433.2); short protein forms T443A, T444A.
Identifiers: ClinVar variation 1362572 (VCV001362572.7), dbSNP rs2147609243, ClinGen allele CA400748880.

ClinVar aggregate classification (germline): Uncertain significance (1 of 4 stars; one submission).

Submission:

Labcorp Genetics (formerly Invitae), Labcorp
Classification: Uncertain significance. Last evaluated: 2024-10-29. Review status: criteria provided, single submitter. Criteria: Invitae Variant Classification Sherloc (09022015). Collection method: clinical testing. Allele origin: germline.
Comment: This sequence change replaces threonine, which is neutral and polar, with alanine, which is neutral and non-polar, at codon 444 of the ARSG protein (p.Thr444Ala). This variant is not present in population databases (gnomAD no frequency). This variant has not been reported in the literature in individuals affected with ARSG-related conditions. ClinVar contains an entry for this variant (Variation ID: 1362572). An algorithm developed to predict the effect of missense changes on protein structure and function (PolyPhen-2) suggests that this variant is likely to be tolerated. In summary, the available evidence is currently insufficient to determine the role of this variant in disease. Therefore, it has been classified as a Variant of Uncertain Significance.